The following is an entry in ClinVar:

ClinVar aggregate classification (germline): Uncertain significance (1 of 4 stars; one submission).

Conditions:
Fabry disease. Also called: ALPHA-GALACTOSIDASE A DEFICIENCY; ANDERSON-FABRY DISEASE; CERAMIDE TRIHEXOSIDASE DEFICIENCY; GLA DEFICIENCY; HEREDITARY DYSTOPIC LIPIDOSIS; Angiokeratoma corporis diffusum. Identifiers: Orphanet 324, MedGen C0002986, MONDO:0010526, OMIM 301500, HP:0001071. Disease mechanism: Fabry disease is due to inactivating mutations in the X-linked GLA gene resulting in deficiency of the enzyme Alpha Galactosidase-A., loss of function.

Submission:

Genomenon, Inc
Classification: Uncertain significance for Fabry disease. Last evaluated: 2026-09-08. Review status: criteria provided, single submitter. Criteria: Genomenon Sequence Variant Interpretation Standards - Updated. Collection method: curation. Allele origin: germline. Affected: yes.
Comment: GLA p.Pro409_Gly411delinsArg (c.1226_1231del) is an in-frame deletion-insertion variant resulting in the replacement of multiple amino acids, from Proline at codon 409 to Glycine at codon 411, with a single Arginine. This variant has been observed in at least one proband with clinical features consistent with Fabry disease (PMID:33437642). It is absent or not present at a significant frequency in gnomAD. In conclusion, we classify GLA p.Pro409_Gly411delinsArg (c.1226_1231del) as a variant of uncertain significance.

Literature cited by the submitters: PubMed 33437642.

NM_000169.3(GLA):c.1226_1231del (p.Pro409_Gly411delinsArg)

Genes: GLA (galactosidase alpha; minus strand), RPL36A-HNRNPH2 (RPL36A-HNRNPH2 readthrough; plus strand). Cytogenetic location: Xq22.1.
Variant type: Deletion.
Coding change: c.1226_1231del on transcript NM_000169.3 (MANE Select); coding-DNA positions 1226 to 1231, 6 bases deleted (CCACAG; older notation c.1226_1231delCCACAG).
Protein change: p.Pro409_Gly411delinsArg.
Molecular consequence: inframe indel. On other transcripts: non-coding transcript variant (3), intron variant (2).
Genome position (GRCh38, 1-based): chrX:101,397,868-101,397,873, CTGTGG deleted on the plus strand (CCACAG on the coding strand, the reverse complement: GLA is on the minus strand). VCF-style (leftmost placement, unchanged base first): chrX-101397867-CCTGTGG-C. GRCh37 (hg19) VCF-style: chrX-100652855-CCTGTGG-C.
Other names: c.1349_1354del, p.Pro450_Gly452delinsArg (NM_001406747.1); c.300+2411_300+2416del (NM_001199973.2); c.177+6046_177+6051del (NM_001199974.2).
Identifiers: ClinVar variation 4087240 (VCV004087240.2).